The following is an entry in ClinVar:

NM_001267550.2(TTN):c.78080T>C (p.Leu26027Pro)

Genes: TTN (titin; minus strand), TTN-AS1 (TTN antisense RNA 1; plus strand). Cytogenetic location: 2q31.2.
Variant type: single nucleotide variant.
Coding change: c.78080T>C on transcript NM_001267550.2 (MANE Select); coding-DNA position 78080, T replaced by C.
Protein change: p.Leu26027Pro; replaces leucine 26027 with proline.
Molecular consequence: missense variant.
Genome position (GRCh38, 1-based): chr2:178,568,052, A>G on the plus strand (T>C on the coding strand, the complement: TTN is on the minus strand). VCF-style: chr2-178568052-A-G. GRCh37 (hg19) VCF-style: chr2-179432779-A-G.
Other names: c.73157T>C, p.Leu24386Pro (NM_001256850.1); c.50885T>C, p.Leu16962Pro (NM_003319.4); c.70376T>C, p.Leu23459Pro (NM_133378.4); c.51260T>C, p.Leu17087Pro (NM_133432.3); c.51461T>C, p.Leu17154Pro (NM_133437.4); short protein forms L24386P, L26027P, L17087P, L17154P, L23459P, L16962P.
Identifiers: ClinVar variation 426931 (VCV000426931.2), dbSNP rs773883465, ClinGen allele CA1989662.

ClinVar aggregate classification (germline): Uncertain significance (1 of 4 stars; one submission).

Allele frequency attached by ClinVar (database versions not stated): gnomAD 0.00001; ExAC 0.00001; TOPMed 0.00002; gnomAD exomes 0.00001.
gnomAD v4.1: 24 of 1,613,256 alleles (0.0015%); highest among the groups gnomAD compares: Non-Finnish European, 0.0018%; no homozygotes.

Submission:

GeneDx
Classification: Uncertain significance. Last evaluated: 2018-10-24. Review status: criteria provided, single submitter. Criteria: GeneDx Variant Classification (06012015). Collection method: clinical testing. Allele origin: germline. Affected: yes.
Comment: The L23459P variant has not been published as a pathogenic variant, nor has it been reported as a benign variant to our knowledge. The L23459P variant is not observed at a significant frequency in large population cohorts (Lek et al., 2016; 1000 Genomes Consortium et al., 2015; Exome Variant Server). This variant is a semi-conservative amino acid substitution, which may impact secondary protein structure as these residues differ in some properties. This substitution occurs at a position that is conserved across species, and in silico analysis predicts this variant is probably damaging to the protein structure/function. The L23459P variant is located in the A-band of the titin protein, where the majority of pathogenic truncating variants have been reported; however, missense variants in nearby residues have not been reported in the Human Gene Mutation Database in association with TTN-related disorders (Stenson et al., 2014). Additionally, the majority of disease associated pathogenic variants in the TTN gene are loss of function and result from truncating variants.